The following is an entry in ClinVar:

ClinVar aggregate classification (germline): Uncertain significance. Review status: criteria provided, multiple submitters, no conflicts (2 of 4 stars). 6 submissions from 5 submitters: Uncertain significance (5). 1 of the submissions does not count toward it. Last evaluated 2021-06-18.

Conditions:
Inborn genetic diseases. Identifiers: MedGen C0950123, MeSH D030342.
Lethal congenital contractural syndrome Finnish type.
Lethal arthrogryposis-anterior horn cell disease syndrome (CAAHD). Also called: CONGENITAL ARTHROGRYPOSIS WITH ANTERIOR HORN CELL DISEASE. Identifiers: Orphanet 53696, MedGen C5193016, MONDO:0012750, OMIM 611890.
Lethal congenital contracture syndrome 1 (LCCS1). Also called: MULTIPLE CONTRACTURE SYNDROME, FINNISH TYPE. Identifiers: Orphanet 1486, MedGen C1854664, MONDO:0009670, OMIM 253310.

Allele frequency attached by ClinVar (database versions not stated): gnomAD 0.00034 and 0.00038; TOPMed 0.00039; gnomAD exomes 0.00041 and 0.00062; ESP Exome Variant Server 0.00054; ExAC 0.00056.

Submissions (6):

Ambry Genetics
Classification: Uncertain significance for Inborn genetic diseases. Last evaluated: 2021-06-18. Review status: criteria provided, single submitter. Criteria: Ambry Variant Classification Scheme 2023. Collection method: clinical testing. Allele origin: germline.

GeneDx
Classification: Uncertain significance. Last evaluated: 2020-02-27. Review status: criteria provided, single submitter. Criteria: GeneDx Variant Classification Process June 2021. Collection method: clinical testing. Allele origin: germline. Affected: yes.
Comment: Has not been previously published as pathogenic or benign to our knowledge; In silico analysis supports that this missense variant has a deleterious effect on protein structure/function

Illumina Laboratory Services, Illumina
Classification: Uncertain significance for Lethal congenital contracture syndrome 1. Last evaluated: 2018-01-13. Review status: criteria provided, single submitter. Criteria: ICSL Variant Classification Criteria 13 December 2019. Collection method: clinical testing. Allele origin: germline.

Illumina Laboratory Services, Illumina
Classification: Uncertain significance for Lethal arthrogryposis-anterior horn cell disease syndrome. Last evaluated: 2018-01-13. Review status: criteria provided, single submitter. Criteria: ICSL Variant Classification Criteria 13 December 2019. Collection method: clinical testing. Allele origin: germline.

Eurofins Ntd Llc (ga)
Classification: Uncertain significance. Last evaluated: 2015-12-03. Review status: criteria provided, single submitter. Criteria: EGL Classification Definitions 2015. Collection method: clinical testing. Allele origin: germline. Observed: 1 variant allele, 1 heterozygote.

Natera, Inc.
Classification: Uncertain significance for Lethal congenital contractural syndrome Finnish type. Last evaluated: 2020-08-20. Review status: no assertion criteria provided. Collection method: clinical testing. Allele origin: germline. Not counted in ClinVar's aggregate classification.

NM_001003722.2(GLE1):c.679C>T (p.Arg227Cys)

Gene: GLE1 (GLE1 RNA export mediator; plus strand). Cytogenetic location: 9q34.11.
Variant type: single nucleotide variant.
Coding change: c.679C>T on transcript NM_001003722.2 (MANE Select); coding-DNA position 679, C replaced by T.
Protein change: p.Arg227Cys; replaces arginine 227 with cysteine.
Molecular consequence: missense variant.
Genome position (GRCh38, 1-based): chr9:128,523,628, C>T. VCF-style: chr9-128523628-C-T. GRCh37 (hg19) VCF-style: chr9-131285907-C-T.
Other names: c.679C>T, p.Arg227Cys (NM_001499.2); short protein forms R227C.
Identifiers: ClinVar variation 284416 (VCV000284416.13), dbSNP rs146025848, ClinGen allele CA5263676.
Genomic context (GRCh38, chr9:128,523,628, plus strand): 5'-AAGTCACTCAGCCCTTTTCTACAGATTCTCAACCTGAAGCTGCGGGAAGCAGAGCAGCAG[C>T]GCGTGAAGCAAGCAGAACAGGAGCGGCTTCGGAAGGAAGAAGGCCAGATCCGCCTGCGGG-3'
Protein context (NP_001003722.1, residues 217-237): NLKLREAEQQ[Arg227Cys]VKQAEQERLR